The following is an entry in ClinVar:

NM_000038.6(APC):c.2569G>A (p.Gly857Arg)

Gene: APC (APC regulator of Wnt signaling pathway; plus strand). Cytogenetic location: 5q22.2.
Variant type: single nucleotide variant.
Coding change: c.2569G>A on transcript NM_000038.6 (MANE Select); coding-DNA position 2569, G replaced by A.
Protein change: p.Gly857Arg; replaces glycine 857 with arginine.
Molecular consequence: missense variant.
Genome position (GRCh38, 1-based): chr5:112,838,163, G>A. VCF-style: chr5-112838163-G-A. GRCh37 (hg19) VCF-style: chr5-112173860-G-A.
Other names: c.2569G>A, p.Gly857Arg (NM_001127510.3, NM_001354895.2); c.2515G>A, p.Gly839Arg (NM_001127511.3); c.2623G>A, p.Gly875Arg (NM_001354896.2); c.2599G>A, p.Gly867Arg (NM_001354897.2); c.2494G>A, p.Gly832Arg (NM_001354898.2); c.2485G>A, p.Gly829Arg (NM_001354899.2); c.2446G>A, p.Gly816Arg (NM_001354900.2); c.2392G>A, p.Gly798Arg (NM_001354901.2); and 5 more; short protein forms G857R, G839R, G832R, G574R, G766R, G798R, G816R, G875R.
Identifiers: ClinVar variation 411357 (VCV000411357.25), dbSNP rs745692178, ClinGen allele CA032593.
Genomic context (GRCh38, chr5:112,838,163, plus strand): 5'-TCAAGAGGAAGCTTAGATAGTTCTCGTTCTGAAAAAGATAGAAGTTTGGAGAGAGAACGC[G>A]GAATTGGTCTAGGCAACTACCATCCAGCAACAGAAAATCCAGGAACTTCTTCAAAGCGAG-3'
Protein context (NP_000029.2, residues 847-867): EKDRSLERER[Gly857Arg]IGLGNYHPAT

ClinVar aggregate classification (germline): Conflicting classifications of pathogenicity. Review status: criteria provided, conflicting classifications (1 of 4 stars). 6 submissions from 6 submitters: Uncertain significance (4); Likely benign (2). Last evaluated 2025-08-11.

Conditions:
Hereditary cancer-predisposing syndrome. Also called: Tumor predisposition; Hereditary Cancer Syndrome; Hereditary neoplastic syndrome; Neoplastic Syndromes, Hereditary. Identifiers: Orphanet 140162, MedGen C0027672, MeSH D009386, MONDO:0015356.
Familial adenomatous polyposis 1 (FAP1). Also called: FAMILIAL ADENOMATOUS POLYPOSIS 1, ATTENUATED; POLYPOSIS, ADENOMATOUS INTESTINAL. Identifiers: MedGen C2713442, MONDO:0021056, OMIM 175100. Disease mechanism: loss of function.
Classic or attenuated familial adenomatous polyposis. Identifiers: MedGen CN372698, MONDO:0021057.

Allele frequency attached by ClinVar (database versions not stated): ExAC 0.00001; gnomAD exomes 0.00001; TOPMed 0.00001.
gnomAD v4.1: 15 of 1,614,148 alleles (0.00093%); highest among the groups gnomAD compares: Middle Eastern, 0.016%; no homozygotes.

Submissions (6):

Labcorp Genetics (formerly Invitae), Labcorp
Classification: Uncertain significance for Familial adenomatous polyposis 1. Last evaluated: 2025-08-11. Review status: criteria provided, single submitter. Criteria: Invitae Variant Classification Sherloc (09022015). Collection method: clinical testing. Allele origin: germline.
Comment: This sequence change replaces glycine, which is neutral and non-polar, with arginine, which is basic and polar, at codon 857 of the APC protein (p.Gly857Arg). This variant is present in population databases (rs745692178, gnomAD 0.002%). This variant has not been reported in the literature in individuals affected with APC-related conditions. ClinVar contains an entry for this variant (Variation ID: 411357). Invitae Evidence Modeling of protein sequence and biophysical properties (such as structural, functional, and spatial information, amino acid conservation, physicochemical variation, residue mobility, and thermodynamic stability) indicates that this missense variant is not expected to disrupt APC protein function with a negative predictive value of 95%. In summary, the available evidence is currently insufficient to determine the role of this variant in disease. Therefore, it has been classified as a Variant of Uncertain Significance.

Color Diagnostics, LLC DBA Color Health
Classification: Likely benign for Hereditary cancer-predisposing syndrome. Last evaluated: 2025-01-13. Review status: criteria provided, single submitter. Criteria: ACMG Guidelines, 2015. Collection method: clinical testing. Allele origin: germline.

Quest Diagnostics Nichols Institute San Juan Capistrano
Classification: Uncertain significance. Last evaluated: 2024-12-31. Review status: criteria provided, single submitter. Criteria: Quest Diagnostics criteria. Collection method: clinical testing. Allele origin: unknown.
Comment: The APC c.2569G>A (p.Gly857Arg) variant has been reported in the published literature in an individual with colorectal polyps (PMID: 25604157 (2015)). The frequency of this variant in the general population (Genome Aggregation Database) is uninformative in the assessment of its pathogenicity. Analysis of this variant using bioinformatics tools for the prediction of the effect of amino acid changes on protein structure and function yielded predictions that this variant is benign. Based on the available information, we are unable to determine the clinical significance of this variant.

All of Us Research Program, National Institutes of Health
Classification: Uncertain significance for Classic or attenuated familial adenomatous polyposis. Last evaluated: 2024-01-11. Review status: criteria provided, single submitter. Criteria: ACMG Guidelines, 2015. Collection method: clinical testing. Allele origin: germline. Inheritance: Autosomal dominant inheritance. Observed: 3 variant alleles, 3 heterozygotes.
Comment: This missense variant replaces glycine with arginine at codon 857 of the APC protein. Computational prediction suggests that this variant may not impact protein structure and function (internally defined REVEL score threshold <= 0.5, PMID: 27666373). Splice site prediction tools suggest that this variant may not impact RNA splicing. To our knowledge, functional studies have not been reported for this variant. This variant has been reported in 1 individual affected with colorectal polyps (PMID:25604157). This variant has been identified in 2/251118 chromosomes in the general population by the Genome Aggregation Database (gnomAD). The available evidence is insufficient to determine the role of this variant in disease conclusively. Therefore, this variant is classified as a Variant of Uncertain Significance.

This study involves interpretation of variants in research participants for the purpose of population health screening. Participant phenotype was not available at the time of variant classification. Additional details can be found in publication PMID: 35346344, PMCID: PMC8962531

Baylor Genetics
Classification: Uncertain significance for Familial adenomatous polyposis 1. Last evaluated: 2023-09-30. Review status: criteria provided, single submitter. Criteria: ACMG Guidelines, 2015. Collection method: clinical testing. Allele origin: unknown.

Ambry Genetics
Classification: Likely benign for Hereditary cancer-predisposing syndrome. Last evaluated: 2022-03-17. Review status: criteria provided, single submitter. Criteria: Ambry Variant Classification Scheme 2023. Collection method: clinical testing. Allele origin: germline.

Literature cited by the submitters: PubMed 25604157 (cited by Quest Diagnostics Nichols Institute San Juan Capistrano and All of Us Research Program, National Institutes of Health).